The following is an entry in ClinVar:

NM_001122681.2(SH3BP2):c.1375G>A (p.Val459Ile)

Gene: SH3BP2 (SH3 domain binding protein 2; plus strand). Cytogenetic location: 4p16.3.
Variant type: single nucleotide variant.
Coding change: c.1375G>A on transcript NM_001122681.2 (MANE Select); coding-DNA position 1375, G replaced by A.
Protein change: p.Val459Ile; replaces valine 459 with isoleucine.
Molecular consequence: missense variant.
Genome position (GRCh38, 1-based): chr4:2,831,947, G>A. VCF-style: chr4-2831947-G-A. GRCh37 (hg19) VCF-style: chr4-2833674-G-A.
Other names: c.1459G>A, p.Val487Ile (NM_001145855.2); c.1546G>A, p.Val516Ile (NM_001145856.2); c.1375G>A, p.Val459Ile (NM_003023.4); short protein forms V487I, V516I, V459I.
Identifiers: ClinVar variation 3440960 (VCV003440960.3).

ClinVar aggregate classification (germline): Conflicting classifications of pathogenicity. Review status: criteria provided, conflicting classifications (1 of 4 stars). 2 submissions from 2 submitters: Uncertain significance (1); Likely benign (1). Last evaluated 2024-07-14.

Conditions:
Fibrous dysplasia of jaw (CRBM). Also called: Cherubism. Identifiers: Orphanet 184, MedGen C0008029, MONDO:0007315, OMIM 118400.
Inborn genetic diseases. Identifiers: MedGen C0950123, MeSH D030342.

gnomAD v4.1: 13 of 1,612,806 alleles (0.00081%); highest among the groups gnomAD compares: Admixed American, 0.005%; no homozygotes.

Submissions (2):

Ambry Genetics
Classification: Likely benign for Inborn genetic diseases. Last evaluated: 2024-07-14. Review status: criteria provided, single submitter. Criteria: Ambry Variant Classification Scheme 2023. Collection method: clinical testing. Allele origin: germline.

Labcorp Genetics (formerly Invitae), Labcorp
Classification: Uncertain significance for Fibrous dysplasia of jaw. Last evaluated: 2024-05-08. Review status: criteria provided, single submitter. Criteria: Invitae Variant Classification Sherloc (09022015). Collection method: clinical testing. Allele origin: germline.
Comment: This sequence change replaces valine, which is neutral and non-polar, with isoleucine, which is neutral and non-polar, at codon 459 of the SH3BP2 protein (p.Val459Ile). This variant is present in population databases (rs770092682, gnomAD 0.009%). This variant has not been reported in the literature in individuals affected with SH3BP2-related conditions. Advanced modeling of protein sequence and biophysical properties (such as structural, functional, and spatial information, amino acid conservation, physicochemical variation, residue mobility, and thermodynamic stability) performed at Invitae indicates that this missense variant is not expected to disrupt SH3BP2 protein function with a negative predictive value of 95%. In summary, the available evidence is currently insufficient to determine the role of this variant in disease. Therefore, it has been classified as a Variant of Uncertain Significance.